The following is an entry in ClinVar:

ClinVar aggregate classification (germline): Uncertain significance. Review status: criteria provided, multiple submitters, no conflicts (2 of 4 stars). 2 submissions from 2 submitters: Uncertain significance (2). Last evaluated 2024-04-23.

Conditions:
Inborn genetic diseases. Identifiers: MedGen C0950123, MeSH D030342.

Allele frequency attached by ClinVar (database versions not stated): ExAC 0.00001; gnomAD 0.00001; 1000 Genomes Project 30x 0.00016; 1000 Genomes Project 0.00020.
gnomAD v4.1: 9 of 1,614,208 alleles (0.00056%); highest among the groups gnomAD compares: South Asian, 0.0088%; no homozygotes.

Submissions (2):

GeneDx
Classification: Uncertain significance. Last evaluated: 2024-04-23. Review status: criteria provided, single submitter. Criteria: GeneDx Variant Classification Process June 2021. Collection method: clinical testing. Allele origin: germline. Affected: yes.
Comment: In silico analysis indicates that this missense variant does not alter protein structure/function; Has not been previously published as pathogenic or benign to our knowledge

Ambry Genetics
Classification: Uncertain significance for Inborn genetic diseases. Last evaluated: 2023-03-07. Review status: criteria provided, single submitter. Criteria: Ambry Variant Classification Scheme 2023. Collection method: clinical testing. Allele origin: germline.

NM_005909.5(MAP1B):c.3544C>A (p.Pro1182Thr)

Gene: MAP1B (microtubule associated protein 1B; plus strand). Cytogenetic location: 5q13.2.
Variant type: single nucleotide variant.
Coding change: c.3544C>A on transcript NM_005909.5 (MANE Select); coding-DNA position 3544, C replaced by A.
Protein change: p.Pro1182Thr; replaces proline 1182 with threonine.
Molecular consequence: missense variant.
Genome position (GRCh38, 1-based): chr5:72,196,899, C>A. VCF-style: chr5-72196899-C-A. GRCh37 (hg19) VCF-style: chr5-71492726-C-A.
Other names: c.3166C>A, p.Pro1056Thr (NM_001324255.2); short protein forms P1056T, P1182T.
Identifiers: ClinVar variation 2495251 (VCV002495251.3), dbSNP rs571066866, ClinGen allele CA3299002.
Genomic context (GRCh38, chr5:72,196,899, plus strand): 5'-ATCACCAAATATGAATCTTCATTGTATTCTCAGGAATACTCTAAACCTGCTGATGTTACA[C>A]CGCTCAACGGATTTTCTGAAGGATCAAAAACAGATGCCACTGATGGCAAGGATTACAATG-3'
Protein context (NP_005900.2, residues 1172-1192): QEYSKPADVT[Pro1182Thr]LNGFSEGSKT